The following is an entry in ClinVar:

NM_005045.4(RELN):c.3833T>C (p.Ile1278Thr)

Gene: RELN (reelin; minus strand). Cytogenetic location: 7q22.1.
Variant type: single nucleotide variant.
Coding change: c.3833T>C on transcript NM_005045.4 (MANE Select); coding-DNA position 3833, T replaced by C.
Protein change: p.Ile1278Thr; replaces isoleucine 1278 with threonine.
Molecular consequence: missense variant.
Genome position (GRCh38, 1-based): chr7:103,593,761, A>G on the plus strand (T>C on the coding strand, the complement: RELN is on the minus strand). VCF-style: chr7-103593761-A-G. GRCh37 (hg19) VCF-style: chr7-103234208-A-G.
Other names: c.3833T>C, p.Ile1278Thr (NM_173054.3); short protein forms I1278T.
Identifiers: ClinVar variation 2938121 (VCV002938121.3), dbSNP rs1211780544, ClinGen allele CA368757209.

ClinVar aggregate classification (germline): Uncertain significance (1 of 4 stars; one submission).

Conditions:
Norman-Roberts syndrome (LIS2). Also called: Lissencephaly 2 (Norman-Roberts type). Identifiers: Orphanet 89844, MedGen C0796089, MONDO:0009760, OMIM 257320.
Familial temporal lobe epilepsy 7. Identifiers: Orphanet 101046, MedGen C4225327, MONDO:0014639, OMIM 616436.

Allele frequency attached by ClinVar (database versions not stated): gnomAD exomes below 0.00001; TOPMed below 0.00001; gnomAD 0.00001.
gnomAD v4.1: 5 of 1,613,936 alleles (0.00031%); highest among the groups gnomAD compares: Non-Finnish European, 0.00042%; no homozygotes.

Submission:

Labcorp Genetics (formerly Invitae), Labcorp
Classification: Uncertain significance for Familial temporal lobe epilepsy 7; Norman-Roberts syndrome. Last evaluated: 2023-03-24. Review status: criteria provided, single submitter. Criteria: Invitae Variant Classification Sherloc (09022015). Collection method: clinical testing. Allele origin: germline.
Comment: In summary, the available evidence is currently insufficient to determine the role of this variant in disease. Therefore, it has been classified as a Variant of Uncertain Significance. This sequence change replaces isoleucine, which is neutral and non-polar, with threonine, which is neutral and polar, at codon 1278 of the RELN protein (p.Ile1278Thr). This variant is not present in population databases (gnomAD no frequency). This variant has not been reported in the literature in individuals affected with RELN-related conditions. Advanced modeling of protein sequence and biophysical properties (such as structural, functional, and spatial information, amino acid conservation, physicochemical variation, residue mobility, and thermodynamic stability) performed at Invitae indicates that this missense variant is not expected to disrupt RELN protein function.